The following is an entry in ClinVar:

ClinVar aggregate classification (germline): Pathogenic. Review status: criteria provided, single submitter (1 of 4 stars). 2 submissions from 2 submitters: Pathogenic (1). 1 of the submissions does not count toward it. Last evaluated 2022-01-28.

Conditions:
Hemolytic anemia due to glucophosphate isomerase deficiency (CNSHA4). Also called: ANEMIA, CONGENITAL, NONSPHEROCYTIC HEMOLYTIC, 4. Identifiers: Orphanet 712, MedGen C0272064, MONDO:0013275, OMIM 613470.

Allele frequency attached by ClinVar (database versions not stated): gnomAD exomes 0.00001.
gnomAD v4.1: 8 of 1,613,810 alleles (0.0005%); highest among the groups gnomAD compares: East Asian, 0.0045%; no homozygotes.

Submissions (2):

Labcorp Genetics (formerly Invitae), Labcorp
Classification: Pathogenic. Last evaluated: 2022-01-28. Review status: criteria provided, single submitter. Criteria: Invitae Variant Classification Sherloc (09022015). Collection method: clinical testing. Allele origin: germline.
Comment: Experimental studies have shown that this missense change affects GPI function (PMID: 9616041). Algorithms developed to predict the effect of missense changes on protein structure and function are either unavailable or do not agree on the potential impact of this missense change (SIFT: "Deleterious"; PolyPhen-2: "Probably Damaging"; Align-GVGD: "Class C0"). ClinVar contains an entry for this variant (Variation ID: 13642). This missense change has been observed in individual(s) with GPI deficiency (PMID: 8822954, 26509025, 30585945). It has also been observed to segregate with disease in related individuals. This variant is not present in population databases (gnomAD no frequency). This sequence change replaces aspartic acid, which is acidic and polar, with asparagine, which is neutral and polar, at codon 539 of the GPI protein (p.Asp539Asn). For these reasons, this variant has been classified as Pathogenic.

OMIM
Classification: Pathogenic for ANEMIA, CONGENITAL NONSPHEROCYTIC HEMOLYTIC, 4. Last evaluated: 1996-09-15. Review status: no assertion criteria provided. Collection method: literature only. Allele origin: germline. Not counted in ClinVar's aggregate classification.

Literature cited by the submitters: PubMed 9616041 (cited by Labcorp Genetics (formerly Invitae), Labcorp); PubMed 8822954 (cited by Labcorp Genetics (formerly Invitae), Labcorp and OMIM); PubMed 26509025 (cited by Labcorp Genetics (formerly Invitae), Labcorp); PubMed 30585945 (cited by Labcorp Genetics (formerly Invitae), Labcorp).

NM_000175.5(GPI):c.1615G>A (p.Asp539Asn)

Gene: GPI (glucose-6-phosphate isomerase; plus strand). Cytogenetic location: 19q13.11.
Variant type: single nucleotide variant.
Coding change: c.1615G>A on transcript NM_000175.5 (MANE Select); coding-DNA position 1615, G replaced by A.
Protein change: p.Asp539Asn; replaces aspartic acid 539 with asparagine.
Molecular consequence: missense variant.
Genome position (GRCh38, 1-based): chr19:34,399,974, G>A. VCF-style: chr19-34399974-G-A. GRCh37 (hg19) VCF-style: chr19-34890879-G-A.
Other names: c.1615G>A, p.Asp539Asn (LRG_1178t1, NM_001329909.1, NM_001329910.1); c.1648G>A, p.Asp550Asn (NM_001184722.1); c.1732G>A, p.Asp578Asn (NM_001289789.1); c.1531G>A, p.Asp511Asn (NM_001289790.3); c.1588G>A, p.Asp530Asn (NM_001329911.2); short protein forms D539N, D550N, D511N, D578N, D530N.
Identifiers: ClinVar variation 13642 (VCV000013642.8), dbSNP rs137853585, ClinGen allele CA123317.